The following is an entry in ClinVar:

ClinVar aggregate classification (germline): Conflicting classifications of pathogenicity. Review status: criteria provided, conflicting classifications (1 of 4 stars). 3 submissions from 3 submitters: Uncertain significance (2); Likely benign (1). Last evaluated 2025-10-24.

Conditions:
Cardiovascular phenotype. Identifiers: MedGen CN230736.
3-Methylglutaconic aciduria type 2 (BTHS). Also called: CARDIOSKELETAL MYOPATHY WITH NEUTROPENIA AND ABNORMAL MITOCHONDRIA; Barth syndrome. Identifiers: Orphanet 111, MedGen C0574083, MONDO:0010543, OMIM 302060.

Allele frequency attached by ClinVar (database versions not stated): gnomAD 0.00003; TOPMed 0.00005; gnomAD exomes below 0.00001.
gnomAD v4.1: 6 of 1,201,304 alleles (0.0005%); highest among the groups gnomAD compares: African/African-American, 0.007%; no homozygotes.

Submissions (3):

Labcorp Genetics (formerly Invitae), Labcorp
Classification: Uncertain significance for 3-Methylglutaconic aciduria type 2. Last evaluated: 2025-10-24. Review status: criteria provided, single submitter. Criteria: Invitae Variant Classification Sherloc (09022015). Collection method: clinical testing. Allele origin: germline.
Comment: This sequence change replaces phenylalanine, which is neutral and non-polar, with leucine, which is neutral and non-polar, at codon 9 of the TAZ protein (p.Phe9Leu). This variant is not present in population databases (gnomAD no frequency). This variant has not been reported in the literature in individuals affected with TAZ-related conditions. ClinVar contains an entry for this variant (Variation ID: 840746). An algorithm developed to predict the effect of missense changes on protein structure and function (PolyPhen-2) suggests that this variant is likely to be tolerated. In summary, the available evidence is currently insufficient to determine the role of this variant in disease. Therefore, it has been classified as a Variant of Uncertain Significance.

Ambry Genetics
Classification: Likely benign for Cardiovascular phenotype. Last evaluated: 2025-04-02. Review status: criteria provided, single submitter. Criteria: Ambry Variant Classification Scheme 2023. Collection method: clinical testing. Allele origin: germline.

Blueprint Genetics
Classification: Uncertain significance. Last evaluated: 2020-11-11. Review status: criteria provided, single submitter. Criteria: ACMG Guidelines, 2015. Collection method: clinical testing. Allele origin: germline.

NM_000116.5(TAFAZZIN):c.27C>G (p.Phe9Leu)

Genes: DNASE1L1 (deoxyribonuclease 1 like 1; minus strand), TAFAZZIN (tafazzin, phospholipid-lysophospholipid transacylase; plus strand), LOC130068869 (ATAC-STARR-seq lymphoblastoid silent region 21101; plus strand). Cytogenetic location: Xq28.
Variant type: single nucleotide variant.
Coding change: c.27C>G on transcript NM_000116.5 (MANE Select); coding-DNA position 27, C replaced by G.
Protein change: p.Phe9Leu; replaces phenylalanine 9 with leucine.
Molecular consequence: missense variant. On other transcripts: non-coding transcript variant (1), intron variant (3).
Genome position (GRCh38, 1-based): chrX:154,411,870, C>G. VCF-style: chrX-154411870-C-G. GRCh37 (hg19) VCF-style: chrX-153640207-C-G.
Other names: c.27C>G, p.Phe9Leu (NM_001303465.2, NM_001410698.1, NM_001440856.1 and 5 more transcripts); c.-88+21G>C (NM_001009934.3); c.-173+21G>C (NM_001009933.3); c.-431+21G>C (NM_001009932.3); short protein forms F9L.
Identifiers: ClinVar variation 840746 (VCV000840746.10), dbSNP rs1223065368, ClinGen allele CA415178018.